The following is an entry in ClinVar:

ClinVar aggregate classification (germline): Benign/Likely benign. Review status: criteria provided, multiple submitters, no conflicts (2 of 4 stars). 3 submissions from 3 submitters: Benign (1); Likely benign (2). Last evaluated 2025-08-18.

Conditions:
Multiple endocrine neoplasia, type 1 (MEN1). Also called: MEN I; WERMER SYNDROME; Endocrine adenomatosis multiple; MEN 1; MEA I. Identifiers: Orphanet 652, MedGen C0025267, MeSH D018761, MONDO:0007540, OMIM 131100.
Hereditary cancer-predisposing syndrome. Also called: Hereditary Cancer Syndrome; Hereditary neoplastic syndrome; Tumor predisposition; Neoplastic Syndromes, Hereditary. Identifiers: Orphanet 140162, MedGen C0027672, MeSH D009386, MONDO:0015356.

gnomAD v4.1: 1 of 1,613,878 alleles (0.000062%); highest among the groups gnomAD compares: Non-Finnish European, 0.000085%; no homozygotes.

Submissions (3):

Labcorp Genetics (formerly Invitae), Labcorp
Classification: Likely benign for Multiple endocrine neoplasia, type 1. Last evaluated: 2025-08-18. Review status: criteria provided, single submitter. Criteria: Invitae Variant Classification Sherloc (09022015). Collection method: clinical testing. Allele origin: germline.

Ambry Genetics
Classification: Likely benign for Hereditary cancer-predisposing syndrome. Last evaluated: 2025-03-27. Review status: criteria provided, single submitter. Criteria: Ambry Variant Classification Scheme 2023. Collection method: clinical testing. Allele origin: germline.

Myriad Genetics, Inc.
Classification: Benign for Multiple endocrine neoplasia, type 1. Last evaluated: 2024-11-05. Review status: criteria provided, single submitter. Criteria: Myriad Autosomal Dominant, Autosomal Recessive and X-Linked Classification Criteria (2023). Collection method: clinical testing. Allele origin: unknown.
Comment: This variant is considered benign. This variant is a silent/synonymous amino acid change and it is not expected to impact splicing.

NM_001370259.2(MEN1):c.1209C>T (p.Ala403=)

Gene: MEN1 (menin 1; minus strand). Cytogenetic location: 11q13.1.
Variant type: single nucleotide variant.
Coding change: c.1209C>T on transcript NM_001370259.2 (MANE Select); coding-DNA position 1209, C replaced by T.
Protein change: p.Ala403=; no amino-acid change (alanine 403 retained).
Molecular consequence: synonymous variant. On other transcripts: non-coding transcript variant (4), intron variant (1).
Genome position (GRCh38, 1-based): chr11:64,805,175, G>A on the plus strand (C>T on the coding strand, the complement: MEN1 is on the minus strand). VCF-style: chr11-64805175-G-A. GRCh37 (hg19) VCF-style: chr11-64572647-G-A.
Other names: c.1224C>T, p.Ala408= (NM_000244.4, NM_001407145.1, NM_130800.3 and 4 more transcripts); c.1335C>T, p.Ala445= (NM_001370251.2, NM_001407142.1, NM_001407143.1 and 1 more transcripts); c.1209C>T, p.Ala403= (NM_001370260.2, NM_001370261.2, NM_001407146.1 and 2 more transcripts); c.1104C>T, p.Ala368= (NM_001370262.2, NM_001370263.2, NM_001407148.1 and 1 more transcripts); c.1350C>T, p.Ala450= (NM_001407150.1); c.1230C>T, p.Ala410= (NM_001407151.1); c.1186-359C>T (NM_001407152.1).
Identifiers: ClinVar variation 3773214 (VCV003773214.3).